The following is an entry in ClinVar:

NM_003079.5(SMARCE1):c.248A>G (p.Gln83Arg)

Gene: SMARCE1 (SWI/SNF related BAF chromatin remodeling complex subunit E1; minus strand). Cytogenetic location: 17q21.2.
Variant type: single nucleotide variant.
Coding change: c.248A>G on transcript NM_003079.5 (MANE Select); coding-DNA position 248, A replaced by G.
Protein change: p.Gln83Arg; replaces glutamine 83 with arginine.
Molecular consequence: missense variant.
Genome position (GRCh38, 1-based): chr17:40,636,516, T>C on the plus strand (A>G on the coding strand, the complement: SMARCE1 is on the minus strand). VCF-style: chr17-40636516-T-C. GRCh37 (hg19) VCF-style: chr17-38792768-T-C.
Other names: short protein forms Q83R.
Identifiers: ClinVar variation 1016257 (VCV001016257.8), dbSNP rs2037147392, ClinGen allele CA399367561.

ClinVar aggregate classification (germline): Uncertain significance (1 of 4 stars; one submission).

Conditions:
Familial meningioma. Also called: Meningioma, familial, susceptibility to. Identifiers: Orphanet 263662, MedGen C3551915, MONDO:0011789, OMIM 607174.

Submission:

Labcorp Genetics (formerly Invitae), Labcorp
Classification: Uncertain significance for Familial meningioma. Last evaluated: 2020-07-24. Review status: criteria provided, single submitter. Criteria: Invitae Variant Classification Sherloc (09022015). Collection method: clinical testing. Allele origin: germline.
Comment: In summary, the available evidence is currently insufficient to determine the role of this variant in disease. Therefore, it has been classified as a Variant of Uncertain Significance. Algorithms developed to predict the effect of missense changes on protein structure and function (SIFT, PolyPhen-2, Align-GVGD) all suggest that this variant is likely to be tolerated, but these predictions have not been confirmed by published functional studies and their clinical significance is uncertain. This variant has not been reported in the literature in individuals with SMARCE1-related conditions. This variant is not present in population databases (ExAC no frequency). This sequence change replaces glutamine with arginine at codon 83 of the SMARCE1 protein (p.Gln83Arg). The glutamine residue is moderately conserved and there is a small physicochemical difference between glutamine and arginine.